The following is an entry in ClinVar:

ClinVar aggregate classification (germline): Likely benign (0 of 4 stars; one submission).

Conditions:
PADI6-related disorder. Also called: PADI6-related condition.

Allele frequency attached by ClinVar (database versions not stated): ESP Exome Variant Server 0.00008; gnomAD 0.00014; gnomAD exomes 0.00016; TOPMed 0.00035; ExAC 0.00111.
gnomAD v4.1: 251 of 1,606,496 alleles (0.016%); highest among the groups gnomAD compares: Admixed American, 0.31%; no homozygotes.

Submission:

PreventionGenetics, part of Exact Sciences
Classification: Likely benign for PADI6-related condition. Last evaluated: 2021-03-15. Review status: no assertion criteria provided. Collection method: clinical testing. Allele origin: germline.
Comment: This variant is classified as likely benign based on ACMG/AMP sequence variant interpretation guidelines (Richards et al. 2015 PMID: 25741868, with internal and published modifications).

NM_207421.4(PADI6):c.1569C>T (p.Gly523=)

Gene: PADI6 (peptidyl arginine deiminase 6; plus strand). Cytogenetic location: 1p36.13.
Variant type: single nucleotide variant.
Coding change: c.1569C>T on transcript NM_207421.4 (MANE Select); coding-DNA position 1569, C replaced by T.
Protein change: p.Gly523=; no amino-acid change (glycine 523 retained).
Molecular consequence: synonymous variant.
Genome position (GRCh38, 1-based): chr1:17,395,614, C>T. VCF-style: chr1-17395614-C-T. GRCh37 (hg19) VCF-style: chr1-17722110-C-T.
Identifiers: ClinVar variation 3047619 (VCV003047619.2), dbSNP rs201197806, ClinGen allele CA641801.